The following is an entry in ClinVar:

NM_007050.6(PTPRT):c.1974C>T (p.Leu658=)

Gene: PTPRT (protein tyrosine phosphatase receptor type T; minus strand). Cytogenetic location: 20q12.
Variant type: single nucleotide variant.
Coding change: c.1974C>T on transcript NM_007050.6 (MANE Select); coding-DNA position 1974, C replaced by T.
Protein change: p.Leu658=; no amino-acid change (leucine 658 retained).
Molecular consequence: synonymous variant.
Genome position (GRCh38, 1-based): chr20:42,315,888, G>A on the plus strand (C>T on the coding strand, the complement: PTPRT is on the minus strand). VCF-style: chr20-42315888-G-A. GRCh37 (hg19) VCF-style: chr20-40944528-G-A.
Other names: c.1974C>T, p.Leu658= (NM_001394024.1, NM_001394025.1, NM_001394026.1 and 1 more transcripts).
Identifiers: ClinVar variation 3047760 (VCV003047760.2), dbSNP rs374933401, ClinGen allele CA9864403.

ClinVar aggregate classification (germline): Likely benign (0 of 4 stars; one submission).

Conditions:
PTPRT-related disorder. Also called: PTPRT-related condition.

Allele frequency attached by ClinVar (database versions not stated): ExAC 0.00002; gnomAD 0.00012; ESP Exome Variant Server 0.00016.
gnomAD v4.1: 33 of 1,614,012 alleles (0.002%); highest among the groups gnomAD compares: African/African-American, 0.033%; no homozygotes.

Submission:

PreventionGenetics, part of Exact Sciences
Classification: Likely benign for PTPRT-related condition. Last evaluated: 2019-04-02. Review status: no assertion criteria provided. Collection method: clinical testing. Allele origin: germline.
Comment: This variant is classified as likely benign based on ACMG/AMP sequence variant interpretation guidelines (Richards et al. 2015 PMID: 25741868, with internal and published modifications).